The following is an entry in ClinVar:

NM_006514.4(SCN10A):c.3507+1G>A

Genes: SCN10A (sodium voltage-gated channel alpha subunit 10; minus strand), LOC110121288 (VISTA enhancer hs2268; plus strand). Cytogenetic location: 3p22.2.
Variant type: single nucleotide variant.
Coding change: c.3507+1G>A on transcript NM_006514.4 (MANE Select); the canonical splice donor site of the intron after coding-DNA position 3507, G replaced by A.
Molecular consequence: splice donor variant.
Genome position (GRCh38, 1-based): chr3:38,722,257, C>T on the plus strand (G>A on the coding strand, the complement: SCN10A is on the minus strand). VCF-style: chr3-38722257-C-T. GRCh37 (hg19) VCF-style: chr3-38763748-C-T.
Other names: c.3213+1G>A (NM_001293307.2); c.3504+1G>A (NM_001293306.2).
Identifiers: ClinVar variation 3950879 (VCV003950879.1).

ClinVar aggregate classification (germline): Uncertain significance (1 of 4 stars; one submission).

Conditions:
Cardiovascular phenotype. Identifiers: MedGen CN230736.

gnomAD v4.1: 2 of 1,613,128 alleles (0.00012%); highest among the groups gnomAD compares: Non-Finnish European, 0.00017%; no homozygotes.

Submission:

Ambry Genetics
Classification: Uncertain significance for Cardiovascular phenotype. Last evaluated: 2025-06-02. Review status: criteria provided, single submitter. Criteria: Ambry Variant Classification Scheme 2023. Collection method: clinical testing. Allele origin: germline.
Comment: The c.3507+1G>A intronic variant results from a G to A substitution one nucleotide after coding exon 19 of the SCN10A gene. This nucleotide position is highly conserved in available vertebrate species. In silico splice site analysis predicts that this alteration will weaken the native splice donor site. Alterations that disrupt the canonical splice site are expected to cause aberrant splicing, resulting in an abnormal protein or a transcript that is subject to nonsense-mediated mRNA decay. However, loss of function of SCN10A has not been established as a mechanism of disease. The evidence for this gene-disease relationship is limited; therefore, the clinical significance of this alteration is unclear.